The following is an entry in ClinVar:

NM_001161352.2(KCNMA1):c.2084G>A (p.Cys695Tyr)

Gene: KCNMA1 (potassium calcium-activated channel subfamily M alpha 1; minus strand). Cytogenetic location: 10q22.3.
Variant type: single nucleotide variant.
Coding change: c.2084G>A on transcript NM_001161352.2 (MANE Select); coding-DNA position 2084, G replaced by A.
Protein change: p.Cys695Tyr; replaces cysteine 695 with tyrosine.
Molecular consequence: missense variant.
Genome position (GRCh38, 1-based): chr10:77,011,975, C>T on the plus strand (G>A on the coding strand, the complement: KCNMA1 is on the minus strand). VCF-style: chr10-77011975-C-T. GRCh37 (hg19) VCF-style: chr10-78771733-C-T.
Other names: c.2096G>A, p.Cys699Tyr (NM_001014797.3, NM_001322830.2, NM_001322835.2 and 1 more transcripts); c.2084G>A, p.Cys695Tyr (NM_001161353.2, NM_001271519.2, NM_001322829.2 and 4 more transcripts); c.1934G>A, p.Cys645Tyr (NM_001271518.2); c.1544G>A, p.Cys515Tyr (NM_001322838.2); short protein forms C515Y, C645Y, C695Y, C699Y.
Identifiers: ClinVar variation 3372008 (VCV003372008.1).

ClinVar aggregate classification (germline): Uncertain significance (1 of 4 stars; one submission).

Submission:

GeneDx
Classification: Uncertain significance. Last evaluated: 2024-04-02. Review status: criteria provided, single submitter. Criteria: GeneDx Variant Classification Process June 2021. Collection method: clinical testing. Allele origin: germline. Affected: yes.
Comment: Not observed at significant frequency in large population cohorts (gnomAD); In silico analysis supports that this missense variant has a deleterious effect on protein structure/function; Has not been previously published as pathogenic or benign to our knowledge